The following is an entry in ClinVar:

ClinVar aggregate classification (germline): Uncertain significance (1 of 4 stars; one submission).

Conditions:
Early-infantile DEE. Also called: Early infantile epileptic encephalopathy; Early infantile epileptic encephalopathy with suppression bursts; Ohtahara syndrome. Identifiers: Orphanet 1934, MedGen C0393706, MONDO:0800491.

Allele frequency attached by ClinVar (database versions not stated): ExAC 0.00001; gnomAD exomes below 0.00001.
gnomAD v4.1: 2 of 1,614,072 alleles (0.00012%); highest among the groups gnomAD compares: Non-Finnish European, 0.00017%; no homozygotes.

Submission:

Labcorp Genetics (formerly Invitae), Labcorp
Classification: Uncertain significance for Early-infantile DEE. Last evaluated: 2021-07-28. Review status: criteria provided, single submitter. Criteria: Invitae Variant Classification Sherloc (09022015). Collection method: clinical testing. Allele origin: germline.
Comment: This sequence change replaces threonine with isoleucine at codon 799 of the HCN1 protein (p.Thr799Ile). The threonine residue is highly conserved and there is a moderate physicochemical difference between threonine and isoleucine. This variant is present in population databases (rs766397326, ExAC 0.002%). This variant has not been reported in the literature in individuals affected with HCN1-related conditions. Advanced modeling of protein sequence and biophysical properties (such as structural, functional, and spatial information, amino acid conservation, physicochemical variation, residue mobility, and thermodynamic stability) performed at Invitae indicates that this missense variant is not expected to disrupt HCN1 protein function. In summary, the available evidence is currently insufficient to determine the role of this variant in disease. Therefore, it has been classified as a Variant of Uncertain Significance.

NM_021072.4(HCN1):c.2396C>T (p.Thr799Ile)

Gene: HCN1 (hyperpolarization activated cyclic nucleotide gated potassium channel 1; minus strand). Cytogenetic location: 5p12.
Variant type: single nucleotide variant.
Coding change: c.2396C>T on transcript NM_021072.4 (MANE Select); coding-DNA position 2396, C replaced by T.
Protein change: p.Thr799Ile; replaces threonine 799 with isoleucine.
Molecular consequence: missense variant.
Genome position (GRCh38, 1-based): chr5:45,262,198, G>A on the plus strand (C>T on the coding strand, the complement: HCN1 is on the minus strand). VCF-style: chr5-45262198-G-A. GRCh37 (hg19) VCF-style: chr5-45262300-G-A.
Other names: short protein forms T799I.
Identifiers: ClinVar variation 1488929 (VCV001488929.7), dbSNP rs766397326, ClinGen allele CA3259118.